The following is an entry in ClinVar:

NM_003896.4(ST3GAL5):c.1192del (p.Leu398fs)

Gene: ST3GAL5 (ST3 beta-galactoside alpha-2,3-sialyltransferase 5; minus strand). Cytogenetic location: 2p11.2.
Variant type: Deletion.
Coding change: c.1192del on transcript NM_003896.4 (MANE Select); coding-DNA position 1192, one base deleted (C; older notation c.1192delC).
Protein change: p.Leu398fs; shifts the reading frame from leucine 398.
Molecular consequence: frameshift variant.
Genome position (GRCh38, 1-based): chr2:85,840,209, G deleted on the plus strand (C on the coding strand, the reverse complement: ST3GAL5 is on the minus strand); the first of 2 consecutive G bases (chr2:85,840,209-85,840,210); deleting either gives the same sequence. VCF-style (leftmost placement, unchanged base first): chr2-85840208-AG-A. GRCh37 (hg19) VCF-style: chr2-86067331-AG-A.
Other names: c.808del, p.Leu270fs (NM_001354248.1, NM_001354223.2, NM_001354224.2 and 3 more transcripts); c.1033del, p.Leu345fs (NM_001363847.1); c.1123del, p.Leu375fs (NM_001042437.2); c.1108del, p.Leu370fs (NM_001354227.2, NM_001354229.2, NM_001354238.1); c.469del, p.Leu157fs (NM_001354247.1); short protein forms L270fs, L157fs, L370fs, L398fs, L345fs, L375fs.
Identifiers: ClinVar variation 1967394 (VCV001967394.5), dbSNP rs1681848582, ClinGen allele CA1266956809.

ClinVar aggregate classification (germline): Uncertain significance (1 of 4 stars; one submission).

Conditions:
GM3 synthase deficiency (SPDRS). Also called: SALT AND PEPPER MENTAL RETARDATION SYNDROME; AMISH INFANTILE EPILEPSY SYNDROME; SALT AND PEPPER DEVELOPMENTAL REGRESSION SYNDROME. Identifiers: Orphanet 171714, Orphanet 370933, MedGen C1836824, MONDO:0018274, OMIM 609056.

Submission:

Labcorp Genetics (formerly Invitae), Labcorp
Classification: Uncertain significance for GM3 synthase deficiency. Last evaluated: 2022-08-08. Review status: criteria provided, single submitter. Criteria: Invitae Variant Classification Sherloc (09022015). Collection method: clinical testing. Allele origin: germline.
Comment: In summary, the available evidence is currently insufficient to determine the role of this variant in disease. Therefore, it has been classified as a Variant of Uncertain Significance. This sequence change creates a premature translational stop signal (p.Leu398Serfs*2) in the ST3GAL5 gene. While this is not anticipated to result in nonsense mediated decay, it is expected to disrupt the last 21 amino acid(s) of the ST3GAL5 protein. Experimental studies and prediction algorithms are not available or were not evaluated, and the functional significance of this variant is currently unknown. This premature translational stop signal has been observed in individual(s) with clinical features of GM3 synthetase deficiency (Invitae). This variant is not present in population databases (gnomAD no frequency).